The following is an entry in ClinVar:

NM_024741.3(ZNF408):c.461A>G (p.His154Arg)

Gene: ZNF408 (zinc finger protein 408; plus strand). Cytogenetic location: 11p11.2.
Variant type: single nucleotide variant.
Coding change: c.461A>G on transcript NM_024741.3 (MANE Select); coding-DNA position 461, A replaced by G.
Protein change: p.His154Arg; replaces histidine 154 with arginine.
Molecular consequence: missense variant.
Genome position (GRCh38, 1-based): chr11:46,703,052, A>G. VCF-style: chr11-46703052-A-G. GRCh37 (hg19) VCF-style: chr11-46724602-A-G.
Other names: c.437A>G, p.His146Arg (NM_001184751.2); short protein forms H154R, H146R.
Identifiers: ClinVar variation 1489219 (VCV001489219.8), dbSNP rs2134507567, ClinGen allele CA380252300.
Genomic context (GRCh38, chr11:46,703,052, plus strand): 5'-AACGGGGCAGGCTGGAGAGTGAGGGAAATGTGGCCCCAGTGCGGATCAGCGAGAGGCTTC[A>G]TCTGCAAGTGTACCAGCTGGTGCTGCCAGGCTCTGAACTGCTGCTGTGGCCCCAGCCTTC-3'
Protein context (NP_079017.1, residues 144-164): VAPVRISERL[His154Arg]LQVYQLVLPG

ClinVar aggregate classification (germline): Uncertain significance (1 of 4 stars; one submission).

Allele frequency attached by ClinVar (database versions not stated): gnomAD exomes below 0.00001.
gnomAD v4.1: 1 of 1,614,020 alleles (0.000062%); highest among the groups gnomAD compares: Non-Finnish European, 0.000085%; no homozygotes.

Submission:

Labcorp Genetics (formerly Invitae), Labcorp
Classification: Uncertain significance. Last evaluated: 2025-03-17. Review status: criteria provided, single submitter. Criteria: Invitae Variant Classification Sherloc (09022015). Collection method: clinical testing. Allele origin: germline.
Comment: This sequence change replaces histidine, which is basic and polar, with arginine, which is basic and polar, at codon 154 of the ZNF408 protein (p.His154Arg). This variant is not present in population databases (gnomAD no frequency). This variant has not been reported in the literature in individuals affected with ZNF408-related conditions. ClinVar contains an entry for this variant (Variation ID: 1489219). An algorithm developed to predict the effect of missense changes on protein structure and function (PolyPhen-2) suggests that this variant is likely to be disruptive. In summary, the available evidence is currently insufficient to determine the role of this variant in disease. Therefore, it has been classified as a Variant of Uncertain Significance.